The following is an entry in ClinVar:

ClinVar aggregate classification (germline): Uncertain significance. Review status: criteria provided, multiple submitters, no conflicts (2 of 4 stars). 2 submissions from 2 submitters: Uncertain significance (2). Last evaluated 2024-08-06.

Conditions:
Hereditary cancer-predisposing syndrome. Also called: Hereditary neoplastic syndrome; Hereditary Cancer Syndrome; Neoplastic Syndromes, Hereditary; Tumor predisposition. Identifiers: Orphanet 140162, MedGen C0027672, MeSH D009386, MONDO:0015356.

Submissions (2):

Quest Diagnostics Nichols Institute San Juan Capistrano
Classification: Uncertain significance. Last evaluated: 2024-08-06. Review status: criteria provided, single submitter. Criteria: Quest Diagnostics criteria. Collection method: clinical testing. Allele origin: unknown.
Comment: The APC c.6631G>T (p.Gly2211Cys) variant has not been reported in individuals with APC-related conditions in the published literature. It also has not been reported in large, multi-ethnic general populations (Genome Aggregation Database). Analysis of this variant using bioinformatics tools for the prediction of the effect of amino acid changes on protein structure and function yielded predictions that this variant is benign. Based on the available information, we are unable to determine the clinical significance of this variant.

Ambry Genetics
Classification: Uncertain significance for Hereditary cancer-predisposing syndrome. Last evaluated: 2023-06-01. Review status: criteria provided, single submitter. Criteria: Ambry Variant Classification Scheme 2023. Collection method: clinical testing. Allele origin: germline.
Comment: The p.G2211C variant (also known as c.6631G>T), located in coding exon 15 of the APC gene, results from a G to T substitution at nucleotide position 6631. The glycine at codon 2211 is replaced by cysteine, an amino acid with highly dissimilar properties. This amino acid position is conserved. In addition, in silico predictors for this gene do not accurately predict pathogenicity. Since supporting evidence is limited at this time, the clinical significance of this alteration remains unclear.

NM_000038.6(APC):c.6631G>T (p.Gly2211Cys)

Gene: APC (APC regulator of Wnt signaling pathway; plus strand). Cytogenetic location: 5q22.2.
Variant type: single nucleotide variant.
Coding change: c.6631G>T on transcript NM_000038.6 (MANE Select); coding-DNA position 6631, G replaced by T.
Protein change: p.Gly2211Cys; replaces glycine 2211 with cysteine.
Molecular consequence: missense variant. On other transcripts: non-coding transcript variant (2).
Genome position (GRCh38, 1-based): chr5:112,842,225, G>T. VCF-style: chr5-112842225-G-T. GRCh37 (hg19) VCF-style: chr5-112177922-G-T.
Other names: c.6631G>T, p.Gly2211Cys (NM_001127510.3, NM_001354895.2, NM_001407450.1); c.6577G>T, p.Gly2193Cys (NM_001127511.3); c.6685G>T, p.Gly2229Cys (NM_001354896.2, NM_001407447.1, NM_001407448.1 and 1 more transcripts); c.6661G>T, p.Gly2221Cys (NM_001354897.2); c.6556G>T, p.Gly2186Cys (NM_001354898.2); c.6547G>T, p.Gly2183Cys (NM_001354899.2); c.6508G>T, p.Gly2170Cys (NM_001354900.2); c.6454G>T, p.Gly2152Cys (NM_001354901.2, NM_001407453.1); and 11 more; short protein forms G1827C, G2051C, G2128C, G2201C, G2221C, G2082C, G2120C, G2170C.
Identifiers: ClinVar variation 2567062 (VCV002567062.3), dbSNP rs1766264872, ClinGen allele CA16035836.
Genomic context (GRCh38, chr5:112,842,225, plus strand): 5'-GGAAAAAAAGTTTATAAAAGTTTGATTACTGGAAAAGTTCGATCTAATTCAGAAATTTCA[G>T]GCCAAATGAAACAGCCCCTTCAAGCAAACATGCCTTCAATCTCTCGAGGCAGGACAATGA-3'
Protein context (NP_000029.2, residues 2201-2221): GKVRSNSEIS[Gly2211Cys]QMKQPLQANM